The following is an entry in ClinVar:

ClinVar aggregate classification (germline): Uncertain significance (1 of 4 stars; one submission).

Conditions:
Charcot-Marie-Tooth disease type 4. Also called: Charcot-Marie-Tooth disease, type IV; Charcot-Marie-Tooth, Type 4. Identifiers: Orphanet 64749, MedGen C4082197, MONDO:0018995.

Submission:

Labcorp Genetics (formerly Invitae), Labcorp
Classification: Uncertain significance for Charcot-Marie-Tooth disease type 4. Last evaluated: 2019-09-29. Review status: criteria provided, single submitter. Criteria: Invitae Variant Classification Sherloc (09022015). Collection method: clinical testing. Allele origin: germline.
Comment: This variant has not been reported in the literature in individuals with SH3TC2-related conditions. This variant is not present in population databases (ExAC no frequency). This sequence change replaces serine with proline at codon 502 of the SH3TC2 protein (p.Ser502Pro). The serine residue is highly conserved and there is a moderate physicochemical difference between serine and proline. Algorithms developed to predict the effect of missense changes on protein structure and function (SIFT, PolyPhen-2, Align-GVGD) all suggest that this variant is likely to be tolerated, but these predictions have not been confirmed by published functional studies and their clinical significance is uncertain. In summary, the available evidence is currently insufficient to determine the role of this variant in disease. Therefore, it has been classified as a Variant of Uncertain Significance.

NM_024577.4(SH3TC2):c.1504T>C (p.Ser502Pro)

Gene: SH3TC2 (SH3 domain and tetratricopeptide repeats 2; minus strand). Cytogenetic location: 5q32.
Variant type: single nucleotide variant.
Coding change: c.1504T>C on transcript NM_024577.4 (MANE Select); coding-DNA position 1504, T replaced by C.
Protein change: p.Ser502Pro; replaces serine 502 with proline.
Molecular consequence: missense variant.
Genome position (GRCh38, 1-based): chr5:149,028,228, A>G on the plus strand (T>C on the coding strand, the complement: SH3TC2 is on the minus strand). VCF-style: chr5-149028228-A-G. GRCh37 (hg19) VCF-style: chr5-148407791-A-G.
Other names: short protein forms S502P.
Identifiers: ClinVar variation 962807 (VCV000962807.9), dbSNP rs1754109858, ClinGen allele CA361668377.